The following is an entry in ClinVar:

NM_005751.5(AKAP9):c.3071T>G (p.Val1024Gly)

Gene: AKAP9 (A-kinase anchoring protein 9; plus strand). Cytogenetic location: 7q21.2.
Variant type: single nucleotide variant.
Coding change: c.3071T>G on transcript NM_005751.5 (MANE Select); coding-DNA position 3071, T replaced by G.
Protein change: p.Val1024Gly; replaces valine 1024 with glycine.
Molecular consequence: missense variant.
Genome position (GRCh38, 1-based): chr7:92,002,988, T>G. VCF-style: chr7-92002988-T-G. GRCh37 (hg19) VCF-style: chr7-91632302-T-G.
Other names: c.3071T>G, p.Val1024Gly (NM_147185.3); short protein forms V1024G.
Identifiers: ClinVar variation 1727265 (VCV001727265.8), dbSNP rs762754861, ClinGen allele CA4336237.

ClinVar aggregate classification (germline): Conflicting classifications of pathogenicity. Review status: criteria provided, conflicting classifications (1 of 4 stars). 2 submissions from 2 submitters: Uncertain significance (1); Likely benign (1). Last evaluated 2025-08-14.

Conditions:
Cardiovascular phenotype. Identifiers: MedGen CN230736.
Long QT syndrome (LQTS). Identifiers: MedGen C0023976, MeSH D008133, MONDO:0002442. Disease mechanism: loss of function. Inheritance: Various modes of inheritance.

Allele frequency attached by ClinVar (database versions not stated): ExAC 0.00002; gnomAD 0.00003; gnomAD exomes 0.00004; TOPMed 0.00005.
gnomAD v4.1: 56 of 1,613,428 alleles (0.0035%); highest among the groups gnomAD compares: Non-Finnish European, 0.0045%; no homozygotes.

Submissions (2):

Ambry Genetics
Classification: Likely benign for Cardiovascular phenotype. Last evaluated: 2025-08-14. Review status: criteria provided, single submitter. Criteria: Ambry Variant Classification Scheme 2023. Collection method: clinical testing. Allele origin: germline.

Labcorp Genetics (formerly Invitae), Labcorp
Classification: Uncertain significance for Long QT syndrome. Last evaluated: 2025-07-31. Review status: criteria provided, single submitter. Criteria: Invitae Variant Classification Sherloc (09022015). Collection method: clinical testing. Allele origin: germline.
Comment: This sequence change replaces valine, which is neutral and non-polar, with glycine, which is neutral and non-polar, at codon 1024 of the AKAP9 protein (p.Val1024Gly). This variant is present in population databases (rs762754861, gnomAD 0.004%). This variant has not been reported in the literature in individuals affected with AKAP9-related conditions. ClinVar contains an entry for this variant (Variation ID: 1727265). An algorithm developed to predict the effect of missense changes on protein structure and function (PolyPhen-2) suggests that this variant is likely to be tolerated. In summary, the available evidence is currently insufficient to determine the role of this variant in disease. Therefore, it has been classified as a Variant of Uncertain Significance.